The following is an entry in ClinVar:

NM_001130987.2(DYSF):c.3496+14C>T

Gene: DYSF (dysferlin; plus strand). Cytogenetic location: 2p13.2.
Variant type: single nucleotide variant.
Coding change: c.3496+14C>T on transcript NM_001130987.2 (MANE Select); 14 bases into the intron after coding-DNA position 3496, C replaced by T.
Molecular consequence: intron variant.
Genome position (GRCh38, 1-based): chr2:71,589,700, C>T. VCF-style: chr2-71589700-C-T. GRCh37 (hg19) VCF-style: chr2-71816830-C-T.
Other names: c.3535+14C>T (NM_001130979.2); c.3493+14C>T (NM_001130981.2, NM_001130980.2); c.3442+14C>T (NM_001130978.2, NM_003494.4); c.3400+14C>T (NM_001130977.2, NM_001130976.2); c.3538+14C>T (NM_001130982.2); c.3496+14C>T (NM_001130985.2); c.3445+14C>T (NM_001130983.2, NM_001130455.2); c.3403+14C>T (NM_001130984.2, NM_001130986.2).
Identifiers: ClinVar variation 390497 (VCV000390497.13), dbSNP rs112034381, ClinGen allele CA1706582.

ClinVar aggregate classification (germline): Conflicting classifications of pathogenicity. Review status: criteria provided, conflicting classifications (1 of 4 stars). 4 submissions from 4 submitters: Uncertain significance (1); Benign (1); Likely benign (2). Last evaluated 2026-01-28.

Conditions:
Neuromuscular disease caused by qualitative or quantitative defects of dysferlin. Also called: Dysferlinopathy; Qualitative or quantitative defects of dysferlin. Identifiers: Orphanet 207073, MedGen C2931687, MONDO:0016145.

Allele frequency attached by ClinVar (database versions not stated): gnomAD exomes 0.00028 and 0.00068; ExAC 0.00091; 1000 Genomes Project 30x 0.00172; 1000 Genomes Project 0.00180; gnomAD 0.00275 and 0.00297; TOPMed 0.00332; ESP Exome Variant Server 0.00346.
gnomAD v4.1: 854 of 1,610,404 alleles (0.053%); highest among the groups gnomAD compares: African/African-American, 1%; 4 homozygotes.

Submissions (4):

Labcorp Genetics (formerly Invitae), Labcorp
Classification: Benign for Neuromuscular disease caused by qualitative or quantitative defects of dysferlin. Last evaluated: 2026-01-28. Review status: criteria provided, single submitter. Criteria: Invitae Variant Classification Sherloc (09022015). Collection method: clinical testing. Allele origin: germline.

Blueprint Genetics
Classification: Likely benign. Last evaluated: 2024-09-12. Review status: criteria provided, single submitter. Criteria: ACMG Guidelines, 2015. Collection method: clinical testing. Allele origin: germline.

GeneDx
Classification: Likely benign. Last evaluated: 2018-01-11. Review status: criteria provided, single submitter. Criteria: GeneDx Variant Classification (06012015). Collection method: clinical testing. Allele origin: germline. Affected: yes.
Comment: This variant is considered likely benign or benign based on one or more of the following criteria: it is a conservative change, it occurs at a poorly conserved position in the protein, it is predicted to be benign by multiple in silico algorithms, and/or has population frequency not consistent with disease.

Illumina Laboratory Services, Illumina
Classification: Uncertain significance for Qualitative or quantitative defects of dysferlin. Last evaluated: 2017-04-27. Review status: criteria provided, single submitter. Criteria: ICSL Variant Classification Criteria 13 December 2019. Collection method: clinical testing. Allele origin: germline.